The following is an entry in ClinVar:

ClinVar aggregate classification (germline): Uncertain significance (1 of 4 stars; one submission).

Conditions:
Myofibrillar myopathy 5. Also called: FILAMINOPATHY, AUTOSOMAL DOMINANT; Filaminopathy (type). Identifiers: Orphanet 171445, MedGen C1836050, MONDO:0012289, OMIM 609524.
Hypertrophic cardiomyopathy 26. Also called: Cardiomyopathy, familial hypertrophic, 26. Identifiers: Orphanet 75249, MedGen C4310749, MONDO:0014883, OMIM 617047.
Distal myopathy with posterior leg and anterior hand involvement. Also called: WILLIAMS DISTAL MYOPATHY. Identifiers: Orphanet 63273, MedGen C3279722, MONDO:0013550, OMIM 614065.

Submission:

Labcorp Genetics (formerly Invitae), Labcorp
Classification: Uncertain significance for Distal myopathy with posterior leg and anterior hand involvement; Myofibrillar myopathy 5; Hypertrophic cardiomyopathy 26. Last evaluated: 2021-07-28. Review status: criteria provided, single submitter. Criteria: Invitae Variant Classification Sherloc (09022015). Collection method: clinical testing. Allele origin: germline.
Comment: This sequence change replaces alanine with valine at codon 2342 of the FLNC protein (p.Ala2342Val). The alanine residue is highly conserved and there is a small physicochemical difference between alanine and valine. In summary, the available evidence is currently insufficient to determine the role of this variant in disease. Therefore, it has been classified as a Variant of Uncertain Significance. Algorithms developed to predict the effect of sequence changes on RNA splicing suggest that this variant may create or strengthen a splice site. Algorithms developed to predict the effect of missense changes on protein structure and function (SIFT, PolyPhen-2, Align-GVGD) all suggest that this variant is likely to be disruptive. This variant has not been reported in the literature in individuals affected with FLNC-related conditions. This variant is not present in population databases (ExAC no frequency).

NM_001458.5(FLNC):c.7025C>T (p.Ala2342Val)

Genes: FLNC (filamin C; plus strand), FLNC-AS1 (FLNC antisense RNA 1; minus strand). Cytogenetic location: 7q32.1.
Variant type: single nucleotide variant.
Coding change: c.7025C>T on transcript NM_001458.5 (MANE Select); coding-DNA position 7025, C replaced by T.
Protein change: p.Ala2342Val; replaces alanine 2342 with valine.
Molecular consequence: missense variant.
Genome position (GRCh38, 1-based): chr7:128,854,802, C>T. VCF-style: chr7-128854802-C-T. GRCh37 (hg19) VCF-style: chr7-128494856-C-T.
Other names: c.6926C>T, p.Ala2309Val (NM_001127487.2); short protein forms A2309V, A2342V.
Identifiers: ClinVar variation 1429825 (VCV001429825.6), dbSNP rs2128939613, ClinGen allele CA369214972.